The following is an entry in ClinVar:

NM_001363118.2(SLC52A2):c.1247C>T (p.Ser416Phe)

Gene: SLC52A2 (solute carrier family 52 member 2; plus strand).
Variant type: single nucleotide variant.
Coding change: c.1247C>T on transcript NM_001363118.2 (MANE Select); coding-DNA position 1247, C replaced by T.
Protein change: p.Ser416Phe; replaces serine 416 with phenylalanine.
Molecular consequence: missense variant. On other transcripts: non-coding transcript variant (1).
Other names: c.1247C>T, p.Ser416Phe (NM_001253815.2, NM_001253816.2, NM_001363120.2 and 5 more transcripts); c.755C>T, p.Ser252Phe (NM_001363122.2, NM_001438089.1, NM_001438494.1 and 2 more transcripts); c.983C>T, p.Ser328Phe (NM_001410949.1); short protein forms S252F, S328F, S416F.
Identifiers: ClinVar variation 4686682 (VCV004686682.1).

ClinVar aggregate classification (germline): Uncertain significance (1 of 4 stars; one submission).

Conditions:
Brown-Vialetto-van Laere syndrome 2. Also called: Riboflavin transporter deficiency type 2; SPINOCEREBELLAR ATAXIA WITH BLINDNESS AND DEAFNESS 2. Identifiers: Orphanet 572543, Orphanet 97229, MedGen C3553538, MONDO:0013867, OMIM 614707.

Submission:

Department of Medical and Molecular Genetics, Dongguan Institute of Pediatrics
Classification: Uncertain significance for Brown-Vialetto-van Laere syndrome 2. Last evaluated: 2025-04-23. Review status: criteria provided, single submitter. Criteria: ACMG Guidelines, 2015. Collection method: clinical testing. Allele origin: germline. Inheritance: Autosomal recessive inheritance. Affected: yes.
Comment: The NM_001363118.2: c.1247C>T variant is a missense substitution in the SLC52A2 gene, predicted to result in the amino acid change p.Ser416Phe. This variant is absent or present at an extremely low frequency in population databases (PM2_Supporting). Multiple lines of computational evidence support a deleterious effect, including a REVEL score of 0.84 (PP3_Moderate). In summary, this variant meets the following ACMG/AMP criteria: PM2_Supporting, PP3_Moderate, PM3. Based on this evidence, it is classified as a Variant of Uncertain Significance (VUS).

Literature cited by the submitters: PubMed 24253200.